The following is an entry in ClinVar:

ClinVar aggregate classification (germline): Uncertain significance (1 of 4 stars; one submission).

Allele frequency attached by ClinVar (database versions not stated): TOPMed below 0.00001; ExAC 0.00001; gnomAD exomes 0.00001.
gnomAD v4.1: 4 of 1,614,018 alleles (0.00025%); highest among the groups gnomAD compares: East Asian, 0.0089%; no homozygotes.

Submission:

Labcorp Genetics (formerly Invitae), Labcorp
Classification: Uncertain significance. Last evaluated: 2023-08-19. Review status: criteria provided, single submitter. Criteria: Invitae Variant Classification Sherloc (09022015). Collection method: clinical testing. Allele origin: germline.
Comment: This variant is present in population databases (rs769957879, gnomAD 0.02%). This sequence change replaces asparagine, which is neutral and polar, with aspartic acid, which is acidic and polar, at codon 447 of the KIF20A protein (p.Asn447Asp). This variant has not been reported in the literature in individuals affected with KIF20A-related conditions. An algorithm developed to predict the effect of missense changes on protein structure and function (PolyPhen-2) suggests that this variant is likely to be disruptive. In summary, the available evidence is currently insufficient to determine the role of this variant in disease. Therefore, it has been classified as a Variant of Uncertain Significance.

NM_005733.3(KIF20A):c.1339A>G (p.Asn447Asp)

Gene: KIF20A (kinesin family member 20A; plus strand). Cytogenetic location: 5q31.2.
Variant type: single nucleotide variant.
Coding change: c.1339A>G on transcript NM_005733.3 (MANE Select); coding-DNA position 1339, A replaced by G.
Protein change: p.Asn447Asp; replaces asparagine 447 with aspartic acid.
Molecular consequence: missense variant.
Genome position (GRCh38, 1-based): chr5:138,184,092, A>G. VCF-style: chr5-138184092-A-G. GRCh37 (hg19) VCF-style: chr5-137519781-A-G.
Other names: short protein forms N447D.
Identifiers: ClinVar variation 2900549 (VCV002900549.3), dbSNP rs769957879, ClinGen allele CA3426571.